The following is an entry in ClinVar:

ClinVar aggregate classification (germline): Pathogenic. Review status: criteria provided, multiple submitters, no conflicts (2 of 4 stars). 2 submissions from 2 submitters: Pathogenic (2). Last evaluated 2025-09-23.

Conditions:
X-linked severe combined immunodeficiency (SCIDX1). Also called: IMMUNODEFICIENCY 4; SCID, X-LINKED; SEVERE COMBINED IMMUNODEFICIENCY, X-LINKED, T CELL-NEGATIVE, B CELL-POSITIVE, NK CELL-NEGATIVE; T-B+ severe combined immunodeficiency due to gamma chain deficiency; X-Linked Combined Immunodeficiency Diseases. Identifiers: Orphanet 276, MedGen C6022468, MONDO:0010315, OMIM 300400. Disease mechanism: loss of function.

Submissions (2):

Labcorp Genetics (formerly Invitae), Labcorp
Classification: Pathogenic for X-linked severe combined immunodeficiency. Last evaluated: 2025-09-23. Review status: criteria provided, single submitter. Criteria: Invitae Variant Classification Sherloc (09022015). Collection method: clinical testing. Allele origin: germline.
Comment: This sequence change affects the initiator codon of the IL2RG mRNA. This change may impact translation initiation or efficiency. The next in-frame methionine is located at codon 45. This variant is not present in population databases (gnomAD no frequency). Disruption of the initiator codon has been observed in individual(s) with severe combined immunodeficiency (PMID: 10444186, 23790094, 33040328). ClinVar contains an entry for this variant (Variation ID: 280036). For these reasons, this variant has been classified as Pathogenic.

GeneDx
Classification: Pathogenic. Last evaluated: 2016-04-13. Review status: criteria provided, single submitter. Criteria: GeneDx Variant Classification (06012015). Collection method: clinical testing. Allele origin: germline. Affected: yes.
Comment: The c.2 T>C pathogenic variant in the IL2RG gene has been reported previously as de novo in association with X-linked SCID (Moya-Quiles et al., 2014). The pathogenic variant alters the initiator Methionine codon, and the resultant protein would be described as p.Met1? using a question mark to signify that it is not known if the loss of Met1 means that all protein translation is completely prevented or if an abnormal protein is produced using an alternate Met. The variant was not observed in approximately 6,500 individuals of European and African American ancestry in the NHLBI Exome Sequencing Project, indicating it is not a common benign variant in these populations. Therefore, this variant is pathogenic.

Literature cited by the submitters: PubMed 10444186 (cited by Labcorp Genetics (formerly Invitae), Labcorp); PubMed 23790094 (cited by Labcorp Genetics (formerly Invitae), Labcorp); PubMed 33040328 (cited by Labcorp Genetics (formerly Invitae), Labcorp).

NM_000206.3(IL2RG):c.2T>C (p.Met1Thr)

Genes: IL2RG (interleukin 2 receptor subunit gamma; minus strand), LOC126863274 (MED14-independent group 3 enhancer GRCh37_chrX:70330888-70332087; plus strand). Cytogenetic location: Xq13.1.
Variant type: single nucleotide variant.
Coding change: c.2T>C on transcript NM_000206.3 (MANE Select); coding-DNA position 2, T replaced by C.
Protein change: p.Met1Thr; changes the start codon (methionine 1).
Molecular consequence: missense variant, initiator codon variant.
Genome position (GRCh38, 1-based): chrX:71,111,538, A>G on the plus strand (T>C on the coding strand, the complement: IL2RG is on the minus strand). VCF-style: chrX-71111538-A-G. GRCh37 (hg19) VCF-style: chrX-70331388-A-G.
Other names: short protein forms M1T.
Identifiers: ClinVar variation 280036 (VCV000280036.4), dbSNP rs886041334, ClinGen allele CA10603689.